The following is an entry in ClinVar:

ClinVar aggregate classification (germline): Benign (1 of 4 stars; one submission).

Allele frequency attached by ClinVar (database versions not stated): 1000 Genomes Project 30x 0.00016; gnomAD 0.00019; 1000 Genomes Project 0.00020; TOPMed 0.00026.
gnomAD v4.1: 387 of 1,525,924 alleles (0.025%); highest among the groups gnomAD compares: Middle Eastern, 0.47%; 1 homozygote.

Submission:

CeGaT Center for Human Genetics Tuebingen
Classification: Benign. Last evaluated: 2026-05-01. Review status: criteria provided, single submitter. Criteria: CeGaT Center For Human Genetics Tuebingen Variant Classification Criteria Version 2. Collection method: clinical testing. Allele origin: germline. Affected: yes. Observed: 7 variant alleles.
Comment: BRAF: BP4, BS1, BS2

NM_004333.6(BRAF):c.138+80G>A

Gene: BRAF (B-Raf proto-oncogene, serine/threonine kinase; minus strand). Cytogenetic location: 7q34.
Variant type: single nucleotide variant.
Coding change: c.138+80G>A on transcript NM_004333.6 (MANE Select); 80 bases into the intron after coding-DNA position 138, G replaced by A.
Molecular consequence: intron variant.
Genome position (GRCh38, 1-based): chr7:140,924,486, C>T on the plus strand (G>A on the coding strand, the complement: BRAF is on the minus strand). VCF-style: chr7-140924486-C-T. GRCh37 (hg19) VCF-style: chr7-140624286-C-T.
Other names: c.138+80G>A (NM_001354609.2, NM_001374258.1, NM_001378467.1 and 7 more transcripts).
Identifiers: ClinVar variation 2579033 (VCV002579033.25), dbSNP rs546076145, ClinGen allele CA168218249.